The following is an entry in ClinVar:

NM_000059.4(BRCA2):c.7961T>C (p.Leu2654Pro)

Gene: BRCA2 (BRCA2 DNA repair associated; plus strand). Cytogenetic location: 13q13.1.
Variant type: single nucleotide variant.
Coding change: c.7961T>C on transcript NM_000059.4 (MANE Select); coding-DNA position 7961, T replaced by C.
Protein change: p.Leu2654Pro; replaces leucine 2654 with proline.
Molecular consequence: missense variant.
Genome position (GRCh38, 1-based): chr13:32,362,678, T>C. VCF-style: chr13-32362678-T-C. GRCh37 (hg19) VCF-style: chr13-32936815-T-C.
Other names: NM_000059.4(BRCA2):c.7961T>C; p.Leu2654Pro; short protein forms L2654P.
Identifiers: ClinVar variation 52448 (VCV000052448.22), dbSNP rs80359023, ClinGen allele CA025355.

ClinVar aggregate classification (germline): Uncertain significance. Review status: reviewed by expert panel (3 of 4 stars). 8 submissions from 8 submitters: Uncertain significance (1). 7 of the submissions do not count toward it. Last evaluated 2026-03-18.

Conditions:
BRCA2-related cancer predisposition. Identifiers: MedGen CN377758, MONDO:0700269.
Hereditary cancer-predisposing syndrome. Also called: Neoplastic Syndromes, Hereditary; Tumor predisposition; Hereditary Cancer Syndrome; Hereditary neoplastic syndrome. Identifiers: Orphanet 140162, MedGen C0027672, MeSH D009386, MONDO:0015356.
Hereditary breast ovarian cancer syndrome. Also called: Breast and ovarian cancer; BRCA1- and BRCA2-Associated Hereditary Breast and Ovarian Cancer; Hereditary breast and ovarian cancer syndrome; Hereditary breast and/or ovarian cancer syndrome; Hereditary breast and ovarian cancer syndrome (HBOC); Hereditary breast and ovarian cancer. Identifiers: Orphanet 145, MedGen C0677776, MeSH D061325, MONDO:0003582. Disease mechanism: loss of function.
Breast-ovarian cancer, familial, susceptibility to, 2 (BROVCA2). Also called: BRCA2 Hereditary Breast and Ovarian Cancer. Identifiers: Orphanet 145, MedGen C2675520, MONDO:0012933, OMIM 612555. Disease mechanism: loss of function.

Allele frequency attached by ClinVar (database versions not stated): gnomAD exomes below 0.00001; gnomAD 0.00001.
gnomAD v4.1: 3 of 1,614,066 alleles (0.00019%); highest among the groups gnomAD compares: African/African-American, 0.0027%; no homozygotes.

Submissions (8):

ClinGen ENIGMA BRCA1 and BRCA2 Variant Curation Expert Panel, ClinGen
Classification: Uncertain significance for BRCA2-related cancer predisposition. Last evaluated: 2026-03-18. Review status: reviewed by expert panel. Criteria: CSpec BRCA1/2ACMG Rules Specifications V1.2. Collection method: curation. Allele origin: germline. Inheritance: Autosomal dominant inheritance.
Comment: The c.7961T>C variant in BRCA2 is a missense variant predicted to cause substitution of Leucine by Proline at amino acid 2654 (p.(Leu2654Pro)). This variant is present in gnomAD v2.1 (exomes only, non-cancer subset) or gnomAD v3.1 (non-cancer subset) but is below the ENIGMA BRCA1/2 VCEP threshold >0.00002 for BS1_Supporting (PM2_Supporting, BS1, and BA1 are not met). Reported by four calibrated studies to exhibit protein function similar to pathogenic control variants (PMIDs:38417439, 32444794, 39779857, 39779848) (PS3 met). This BRCA2 missense variant is within a key functional domain and the computational predictor BayesDel (noAF) gives a score of 0.32, above the recommended threshold of 0.30 for prediction of impact on BRCA2 function via protein change. A SpliceAI score of 0.02 predicts no impact on splicing (score threshold <0.10) (PP3 met). Multifactorial likelihood ratio analysis using clinically calibrated data produced a combined LR for this variant of 2.02 (based on Co-occurrence LR=1.05; Family History LR=1.93), which is above the ENIGMA BRCA1/2 VCEP threshold for BP5 (>0.48) and below PP4 (<2.08) (BP5 and PP4 not met; PMID: 31853058, internal data (dataset as per PMID: 17924331)). Total points equated to 0 (PM3 not met; Internal lab contributor). In summary, this variant meets the criteria to be classified as a Variant of uncertain significance for BRCA2-related cancer predisposition based on the ACMG/AMP criteria applied as specified by the ENIGMA BRCA1/2 VCEP (PS3, PP3).

Ambry Genetics
Classification: Likely pathogenic for Hereditary cancer-predisposing syndrome. Last evaluated: 2026-04-03. Review status: criteria provided, single submitter. Criteria: Ambry Variant Classification Scheme 2023. Collection method: clinical testing. Allele origin: germline. Not counted in ClinVar's aggregate classification.
Comment: The c.7961T>C (p.L2654P) alteration is located in exon 17 (coding exon 16) of the BRCA2 gene. This alteration results from a T to C substitution at nucleotide position 7961, causing the leucine (L) at amino acid position 2654 to be replaced by a proline (P). Based on data from gnomAD, the C allele has an overall frequency of 0.003% (1/31406) total alleles studied. The highest observed frequency was 0.012% (1/8712) of African alleles. This amino acid position is well conserved in available vertebrate species. This variant is located in the DNA binding domain of BRCA2 and is predicted to destabilize the local structure and disrupt the protein binding ability of BRCA2 (Marston, 1999; Yang, 2002; Ambry internal data). This alteration was non-functional in a cell-based homology-directed DNA break repair (HDR) functional assay (Guidugli, 2013; Hart, 2019; Hu, 2024). Two saturation genome editing-based studies, including a haploid cell-survival assay and a humanized mouse embryonic stem cell line assay of drug response and survival, demonstrate that this nucleotide substitution is non-functional (Huang, 2025; Sahu, 2025). This alteration is predicted to be deleterious by in silico analysis. Based on the available evidence, this alteration is classified as likely pathogenic.

Labcorp Genetics (formerly Invitae), Labcorp
Classification: Uncertain significance for Hereditary breast ovarian cancer syndrome. Last evaluated: 2025-06-05. Review status: criteria provided, single submitter. Criteria: Invitae Variant Classification Sherloc (09022015). Collection method: clinical testing. Allele origin: germline. Not counted in ClinVar's aggregate classification.
Comment: This sequence change replaces leucine, which is neutral and non-polar, with proline, which is neutral and non-polar, at codon 2654 of the BRCA2 protein (p.Leu2654Pro). This variant is present in population databases (rs80359023, gnomAD 0.01%). This variant has not been reported in the literature in individuals affected with BRCA2-related conditions. ClinVar contains an entry for this variant (Variation ID: 52448). An algorithm developed specifically for the BRCA2 gene suggests that this missense change is likely to be deleterious (PMID: 19043619). Experimental studies have shown that this missense change affects BRCA2 function (PMID: 23108138, 29394989, 29884841, 35736817). In summary, the available evidence is currently insufficient to determine the role of this variant in disease. Therefore, it has been classified as a Variant of Uncertain Significance.

All of Us Research Program, National Institutes of Health
Classification: Uncertain significance for Breast-ovarian cancer, familial, susceptibility to, 2. Last evaluated: 2023-10-02. Review status: criteria provided, single submitter. Criteria: ACMG Guidelines, 2015. Collection method: clinical testing. Allele origin: germline. Inheritance: Autosomal dominant inheritance. Observed: 1 variant allele, 1 heterozygote. Not counted in ClinVar's aggregate classification.
Comment: This missense variant replaces leucine with proline at codon 2654 of the BRCA2 protein. Computational prediction suggests that this variant may have deleterious impact on protein structure and function (internally defined REVEL score threshold >= 0.7, PMID: 27666373). Functional studies have shown that this variant results in reduced or loss of homology-directed DNA repair activity (PMID: 23108138, 29394989). To our knowledge, this variant has not been reported in individuals affected with hereditary cancer in the literature. This variant has been identified in 1/31406 chromosomes in the general population by the Genome Aggregation Database (gnomAD). The available evidence is insufficient to determine the role of this variant in disease conclusively. Therefore, this variant is classified as a Variant of Uncertain Significance.

This study involves interpretation of variants in research participants for the purpose of population health screening. Participant phenotype was not available at the time of variant classification. Additional details can be found in publication PMID: 35346344, PMCID: PMC8962531

GeneDx
Classification: Uncertain significance. Last evaluated: 2020-03-02. Review status: criteria provided, single submitter. Criteria: GeneDx Variant Classification Process June 2021. Collection method: clinical testing. Allele origin: germline. Affected: yes. Not counted in ClinVar's aggregate classification.
Comment: Not observed at a significant frequency in large population cohorts (Lek 2016); In silico analysis supports that this missense variant does not alter protein structure/function; Published functional studies demonstrate a damaging effect: defective homology-directed repair activity (Guidugli 2013, Guidugli 2018); Also known as 8189T>C; This variant is associated with the following publications: (PMID: 29394989, 30374176, 29884841, 24323938, 23108138, 19043619)

Blueprint Genetics
Classification: Uncertain significance. Last evaluated: 2020-02-24. Review status: criteria provided, single submitter. Criteria: ACMG Guidelines, 2015. Collection method: clinical testing. Allele origin: germline. Not counted in ClinVar's aggregate classification.

Breakthrough Genomics
Classification: Uncertain significance. Review status: criteria provided, single submitter. Criteria: ACMG Guidelines, 2015. Collection method: not provided. Allele origin: germline. Inheritance: Autosomal recessive inheritance. Affected: yes. Not counted in ClinVar's aggregate classification.

Breast Cancer Information Core (BIC) (BRCA2)
Classification: Uncertain significance for Breast-ovarian cancer, familial 2. Last evaluated: 2003-10-29. Review status: no assertion criteria provided. Collection method: clinical testing. Allele origin: unknown. Affected: yes. Observed: 1 variant allele. Not counted in ClinVar's aggregate classification.

Literature cited by the submitters: PubMed 10373512 (cited by Ambry Genetics); PubMed 12228710 (cited by Ambry Genetics); PubMed 23108138 (cited by 3 submitters); PubMed 29884841 (cited by Ambry Genetics and Labcorp Genetics (formerly Invitae), Labcorp); PubMed 38417439 (cited by Ambry Genetics); PubMed 39779848 (cited by Ambry Genetics); PubMed 39779857 (cited by Ambry Genetics); PubMed 19043619 (cited by Labcorp Genetics (formerly Invitae), Labcorp); PubMed 29394989 (cited by Labcorp Genetics (formerly Invitae), Labcorp and All of Us Research Program, National Institutes of Health); PubMed 35736817 (cited by Labcorp Genetics (formerly Invitae), Labcorp).